The following is an entry in ClinVar:

NM_000532.5(PCCB):c.950T>G (p.Val317Gly)

Gene: PCCB (propionyl-CoA carboxylase subunit beta; plus strand). Cytogenetic location: 3q22.3.
Variant type: single nucleotide variant.
Coding change: c.950T>G on transcript NM_000532.5 (MANE Select); coding-DNA position 950, T replaced by G.
Protein change: p.Val317Gly; replaces valine 317 with glycine.
Molecular consequence: missense variant.
Genome position (GRCh38, 1-based): chr3:136,301,095, T>G. VCF-style: chr3-136301095-T-G. GRCh37 (hg19) VCF-style: chr3-136019937-T-G.
Other names: c.1010T>G, p.Val337Gly (NM_001178014.2); short protein forms V317G, V337G.
Identifiers: ClinVar variation 2185499 (VCV002185499.4), dbSNP rs762758029, ClinGen allele CA354645726.

ClinVar aggregate classification (germline): Uncertain significance (1 of 4 stars; one submission).

Conditions:
Propionic acidemia (PROP). Also called: GLYCINEMIA, KETOTIC; HYPERGLYCINEMIA WITH KETOACIDOSIS AND LEUKOPENIA; KETOTIC HYPERGLYCINEMIA. Identifiers: Orphanet 35, MedGen C0268579, MONDO:0011628, OMIM 606054, HP:0003571.

Submission:

Labcorp Genetics (formerly Invitae), Labcorp
Classification: Uncertain significance for Propionic acidemia. Last evaluated: 2022-08-22. Review status: criteria provided, single submitter. Criteria: Invitae Variant Classification Sherloc (09022015). Collection method: clinical testing. Allele origin: germline.
Comment: In summary, the available evidence is currently insufficient to determine the role of this variant in disease. Therefore, it has been classified as a Variant of Uncertain Significance. Advanced modeling of protein sequence and biophysical properties (such as structural, functional, and spatial information, amino acid conservation, physicochemical variation, residue mobility, and thermodynamic stability) performed at Invitae indicates that this missense variant is not expected to disrupt PCCB protein function. This variant has not been reported in the literature in individuals affected with PCCB-related conditions. This variant is not present in population databases (gnomAD no frequency). This sequence change replaces valine, which is neutral and non-polar, with glycine, which is neutral and non-polar, at codon 317 of the PCCB protein (p.Val317Gly).